The following is an entry in ClinVar:

ClinVar aggregate classification (germline): Uncertain significance (1 of 4 stars; one submission).

Conditions:
Lafora disease. Also called: Epilepsy progressive myoclonic 2. Identifiers: Orphanet 501, MedGen C0751783, MONDO:0009697.

Submission:

Labcorp Genetics (formerly Invitae), Labcorp
Classification: Uncertain significance for Lafora disease. Last evaluated: 2021-09-01. Review status: criteria provided, single submitter. Criteria: Invitae Variant Classification Sherloc (09022015). Collection method: clinical testing. Allele origin: germline.
Comment: This sequence change replaces aspartic acid with asparagine at codon 245 of the NHLRC1 protein (p.Asp245Asn). The aspartic acid residue is highly conserved and there is a small physicochemical difference between aspartic acid and asparagine. This variant is not present in population databases (ExAC no frequency). This missense change has been observed in individual(s) with Lafora disease (PMID: 16021330). Algorithms developed to predict the effect of missense changes on protein structure and function are either unavailable or do not agree on the potential impact of this missense change (SIFT: "Deleterious"; PolyPhen-2: "Benign"; Align-GVGD: "Class C15"). In summary, the available evidence is currently insufficient to determine the role of this variant in disease. Therefore, it has been classified as a Variant of Uncertain Significance.

Literature cited by the submitters: PubMed 16021330.

NM_198586.3(NHLRC1):c.733G>A (p.Asp245Asn)

Gene: NHLRC1 (NHL repeat containing E3 ubiquitin protein ligase 1; minus strand). Cytogenetic location: 6p22.3.
Variant type: single nucleotide variant.
Coding change: c.733G>A on transcript NM_198586.3 (MANE Select); coding-DNA position 733, G replaced by A.
Protein change: p.Asp245Asn; replaces aspartic acid 245 with asparagine.
Molecular consequence: missense variant.
Genome position (GRCh38, 1-based): chr6:18,121,874, C>T on the plus strand (G>A on the coding strand, the complement: NHLRC1 is on the minus strand). VCF-style: chr6-18121874-C-T. GRCh37 (hg19) VCF-style: chr6-18122105-C-T.
Other names: short protein forms D245N.
Identifiers: ClinVar variation 1366786 (VCV001366786.5), dbSNP rs2150702925, ClinGen allele CA362826339.
Genomic context (GRCh38, chr6:18,121,874, plus strand): 5'-GGGGATTGCACAGATGAGCTTGCAACCTTTCAGTTCTCCGAAGGACCCCTTCCGCGAAGT[C>T]GACGTCCAGGAGGTGCAGGGACCCTGCCTCCGCATCAGTTACCACAATCCCATTCTGAGG-3'
Protein context (NP_940988.2, residues 235-255): EAGSLHLLDV[Asp245Asn]FAEGVLRRTE